The following is an entry in ClinVar:

ClinVar aggregate classification (germline): Conflicting classifications of pathogenicity. Review status: criteria provided, conflicting classifications (1 of 4 stars). 7 submissions from 4 submitters: Uncertain significance (5); Likely benign (2). Last evaluated 2023-10-01.

Conditions:
Retinitis pigmentosa (RP). Identifiers: Orphanet 791, MedGen C0035334, MeSH D012174, MONDO:0019200, OMIM 268000. Inheritance: Autosomal dominant, autosomal recessive and X linked inheritance.
Retinal dystrophy. Also called: Inherited retinal dystrophy. Identifiers: Orphanet 71862, MedGen C0854723, MeSH D058499, MONDO:0019118, HP:0000556.
Cone-rod dystrophy 12 (CORD12). Identifiers: Orphanet 1872, MedGen C2675210, MONDO:0012983, OMIM 612657.
Retinal macular dystrophy type 2 (MCDR2). Also called: Bull's eye macular dystrophy. Identifiers: Orphanet 319640, MedGen C4749334, MONDO:0011957, OMIM 608051.
Stargardt disease 4 (STGD4). Identifiers: Orphanet 827, MedGen C1863534, MONDO:0011370, OMIM 603786.

Allele frequency attached by ClinVar (database versions not stated): gnomAD exomes 0.00001 and 0.00002; TOPMed 0.00001; ExAC 0.00003; 1000 Genomes Project 0.00020; 1000 Genomes Project 30x 0.00031.
gnomAD v4.1: 11 of 1,567,682 alleles (0.0007%); highest among the groups gnomAD compares: East Asian, 0.02%; no homozygotes.

Submissions (7):

Dept Of Ophthalmology, Nagoya University
Classification: Uncertain significance for Retinal dystrophy. Last evaluated: 2023-10-01. Review status: criteria provided, single submitter. Criteria: Submitter's publication. Collection method: research. Allele origin: germline. Affected: yes.

Labcorp Genetics (formerly Invitae), Labcorp
Classification: Uncertain significance. Last evaluated: 2022-12-13. Review status: criteria provided, single submitter. Criteria: Invitae Variant Classification Sherloc (09022015). Collection method: clinical testing. Allele origin: germline.
Comment: This variant is present in population databases (rs536622788, gnomAD 0.02%). This sequence change replaces serine, which is neutral and polar, with cysteine, which is neutral and slightly polar, at codon 490 of the PROM1 protein (p.Ser490Cys). This variant has not been reported in the literature in individuals affected with PROM1-related conditions. In summary, the available evidence is currently insufficient to determine the role of this variant in disease. Therefore, it has been classified as a Variant of Uncertain Significance. Advanced modeling of protein sequence and biophysical properties (such as structural, functional, and spatial information, amino acid conservation, physicochemical variation, residue mobility, and thermodynamic stability) performed at Invitae indicates that this missense variant is not expected to disrupt PROM1 protein function. ClinVar contains an entry for this variant (Variation ID: 899918).

Blueprint Genetics
Classification: Uncertain significance. Last evaluated: 2021-12-19. Review status: criteria provided, single submitter. Criteria: ACMG Guidelines, 2015. Collection method: clinical testing. Allele origin: germline.

Illumina Laboratory Services, Illumina
Classification: Uncertain significance for Retinal macular dystrophy type 2. Last evaluated: 2018-01-13. Review status: criteria provided, single submitter. Criteria: ICSL Variant Classification Criteria 13 December 2019. Collection method: clinical testing. Allele origin: germline.

Illumina Laboratory Services, Illumina
Classification: Likely benign for Stargardt disease 4. Last evaluated: 2018-01-13. Review status: criteria provided, single submitter. Criteria: ICSL Variant Classification Criteria 13 December 2019. Collection method: clinical testing. Allele origin: germline.
Comment: This variant was observed in the ICSL laboratory as part of a predisposition screen in an ostensibly healthy population. It had not been previously curated by ICSL or reported in the Human Gene Mutation Database (HGMD: prior to June 1st, 2018), and was therefore a candidate for classification through an automated scoring system. Utilizing variant allele frequency, disease prevalence and penetrance estimates, and inheritance mode, an automated score was calculated to assess if this variant is too frequent to cause the disease. Based on the score and internal cut-off values, a variant classified as likely benign is not then subjected to further curation. The score for this variant resulted in a classification of likely benign for this disease.

Illumina Laboratory Services, Illumina
Classification: Likely benign for Cone-rod dystrophy 12. Last evaluated: 2018-01-13. Review status: criteria provided, single submitter. Criteria: ICSL Variant Classification Criteria 13 December 2019. Collection method: clinical testing. Allele origin: germline.
Comment: the same text as in the submission from Illumina Laboratory Services, Illumina above.

Illumina Laboratory Services, Illumina
Classification: Uncertain significance for Retinitis pigmentosa. Last evaluated: 2018-01-13. Review status: criteria provided, single submitter. Criteria: ICSL Variant Classification Criteria 13 December 2019. Collection method: clinical testing. Allele origin: germline.

NM_006017.3(PROM1):c.1468A>T (p.Ser490Cys)

Gene: PROM1 (prominin 1; minus strand). Cytogenetic location: 4p15.32.
Variant type: single nucleotide variant.
Coding change: c.1468A>T on transcript NM_006017.3 (MANE Select); coding-DNA position 1468, A replaced by T.
Protein change: p.Ser490Cys; replaces serine 490 with cysteine.
Molecular consequence: missense variant.
Genome position (GRCh38, 1-based): chr4:16,000,606, T>A on the plus strand (A>T on the coding strand, the complement: PROM1 is on the minus strand). VCF-style: chr4-16000606-T-A. GRCh37 (hg19) VCF-style: chr4-16002229-T-A.
Other names: c.1441A>T, p.Ser481Cys (NM_001145847.2, NM_001145848.2, NM_001145851.2 and 4 more transcripts); c.1468A>T, p.Ser490Cys (NM_001145849.2, NM_001145850.2); short protein forms S481C, S490C.
Identifiers: ClinVar variation 899918 (VCV000899918.12), dbSNP rs536622788, ClinGen allele CA2866750.
Genomic context (GRCh38, chr4:16,000,606, plus strand): 5'-TTGCACCAAAGACAAAGGTAAGAACCACAATGATCATCAATATCCAGCAAAAGAGGAAAC[T>A]TAATCCAACTCCACTGGAAAAAAATATAAAGTTAGTAATTCAACAAAGAATGATTCAATA-3'
Protein context (NP_006008.1, residues 480-500): GVFLMVGVGL[Ser490Cys]FLFCWILMII